The following is an entry in ClinVar:

ClinVar aggregate classification (germline): Likely benign. Review status: criteria provided, multiple submitters, no conflicts (2 of 4 stars). 3 submissions from 3 submitters: Likely benign (2). 1 of the submissions does not count toward it. Last evaluated 2026-02-02.

Conditions:
PUS1-related disorder. Also called: PUS1-related condition.

Allele frequency attached by ClinVar (database versions not stated): gnomAD below 0.00001 and 0.00003; TOPMed below 0.00001; gnomAD exomes 0.00010 and 0.00016; 1000 Genomes Project 30x 0.00016; ExAC 0.00017; 1000 Genomes Project 0.00020.
gnomAD v4.1: 145 of 1,613,790 alleles (0.009%); highest among the groups gnomAD compares: South Asian, 0.13%; 3 homozygotes.

Submissions (3):

Labcorp Genetics (formerly Invitae), Labcorp
Classification: Likely benign. Last evaluated: 2026-02-02. Review status: criteria provided, single submitter. Criteria: Invitae Variant Classification Sherloc (09022015). Collection method: clinical testing. Allele origin: germline.

GeneDx
Classification: Likely benign. Last evaluated: 2017-10-13. Review status: criteria provided, single submitter. Criteria: GeneDx Variant Classification (06012015). Collection method: clinical testing. Allele origin: germline. Affected: yes.
Comment: This variant is considered likely benign or benign based on one or more of the following criteria: it is a conservative change, it occurs at a poorly conserved position in the protein, it is predicted to be benign by multiple in silico algorithms, and/or has population frequency not consistent with disease.

PreventionGenetics, part of Exact Sciences
Classification: Likely benign for PUS1-related condition. Last evaluated: 2020-01-03. Review status: no assertion criteria provided. Collection method: clinical testing. Allele origin: germline. Not counted in ClinVar's aggregate classification.
Comment: This variant is classified as likely benign based on ACMG/AMP sequence variant interpretation guidelines (Richards et al. 2015 PMID: 25741868, with internal and published modifications).

NM_025215.6(PUS1):c.684G>A (p.Thr228=)

Gene: PUS1 (pseudouridine synthase 1; plus strand). Cytogenetic location: 12q24.33.
Variant type: single nucleotide variant.
Coding change: c.684G>A on transcript NM_025215.6 (MANE Select); coding-DNA position 684, G replaced by A.
Protein change: p.Thr228=; no amino-acid change (threonine 228 retained).
Molecular consequence: synonymous variant.
Genome position (GRCh38, 1-based): chr12:131,941,431, G>A. VCF-style: chr12-131941431-G-A. GRCh37 (hg19) VCF-style: chr12-132425976-G-A.
Other names: c.600G>A, p.Thr200= (NM_001002019.3, NM_001002020.3).
Identifiers: ClinVar variation 512296 (VCV000512296.14), dbSNP rs550406574, ClinGen allele CA6884222.